The following is an entry in ClinVar:

ClinVar aggregate classification (germline): Conflicting classifications of pathogenicity. Review status: criteria provided, conflicting classifications (1 of 4 stars). 6 submissions from 6 submitters: Uncertain significance (4); Likely benign (1). 1 of the submissions does not count toward it. Last evaluated 2026-06-30.

Conditions:
LRSAM1-related disorder. Also called: LRSAM1-related condition.
Inborn genetic diseases. Identifiers: MedGen C0950123, MeSH D030342.
Charcot-Marie-Tooth disease axonal type 2P. Also called: CHARCOT-MARIE-TOOTH NEUROPATHY, TYPE 2P; Charcot-Marie-Tooth Neuropathy Type 2G; CHARCOT-MARIE-TOOTH DISEASE, AXONAL, TYPE 2G; CMT 2G. Identifiers: Orphanet 300319, Orphanet 99941, MedGen C3280797, MONDO:0013753, OMIM 614436.

Allele frequency attached by ClinVar (database versions not stated): gnomAD 0.00011; TOPMed 0.00011; ExAC 0.00012; gnomAD exomes 0.00012; 1000 Genomes Project 30x 0.00016; 1000 Genomes Project 0.00020.
gnomAD v4.1: 283 of 1,614,026 alleles (0.018%); highest among the groups gnomAD compares: Middle Eastern, 0.033%; no homozygotes.

Submissions (6):

PreventionGenetics, part of Exact Sciences
Classification: Uncertain significance for LRSAM1-related condition. Last evaluated: 2026-06-30. Review status: criteria provided, single submitter. Criteria: ACMG Guidelines, 2015. Collection method: clinical testing. Allele origin: germline.
Comment: The LRSAM1 c.1046A>G variant is predicted to result in the amino acid substitution p.Gln349Arg. To our knowledge, this variant has not been reported in the literature. This variant is reported in 0.028% of alleles in individuals of Latino descent in gnomAD. At this time, the clinical significance of this variant is uncertain due to the absence of conclusive functional and genetic evidence.

Labcorp Genetics (formerly Invitae), Labcorp
Classification: Uncertain significance for Charcot-Marie-Tooth disease axonal type 2P. Last evaluated: 2025-09-14. Review status: criteria provided, single submitter. Criteria: Invitae Variant Classification Sherloc (09022015). Collection method: clinical testing. Allele origin: germline.
Comment: This sequence change replaces glutamine, which is neutral and polar, with arginine, which is basic and polar, at codon 349 of the LRSAM1 protein (p.Gln349Arg). This variant is present in population databases (rs200595164, gnomAD 0.03%). This variant has not been reported in the literature in individuals affected with LRSAM1-related conditions. ClinVar contains an entry for this variant (Variation ID: 155754). An algorithm developed to predict the effect of missense changes on protein structure and function (PolyPhen-2) suggests that this variant is likely to be tolerated. In summary, the available evidence is currently insufficient to determine the role of this variant in disease. Therefore, it has been classified as a Variant of Uncertain Significance.

Blueprint Genetics
Classification: Uncertain significance. Last evaluated: 2024-05-22. Review status: criteria provided, single submitter. Criteria: ACMG Guidelines, 2015. Collection method: clinical testing. Allele origin: germline.

GeneDx
Classification: Likely benign. Last evaluated: 2023-09-15. Review status: criteria provided, single submitter. Criteria: GeneDx Variant Classification Process June 2021. Collection method: clinical testing. Allele origin: germline. Affected: yes.
Comment: See Variant Classification Assertion Criteria.

Ambry Genetics
Classification: Uncertain significance for Inborn genetic diseases. Last evaluated: 2022-07-15. Review status: criteria provided, single submitter. Criteria: Ambry Variant Classification Scheme 2023. Collection method: clinical testing. Allele origin: germline.
Comment: The p.Q349R variant (also known as c.1046A>G), located in coding exon 13 of the LRSAM1 gene, results from an A to G substitution at nucleotide position 1046. The glutamine at codon 349 is replaced by arginine, an amino acid with highly similar properties. This amino acid position is highly conserved in available vertebrate species. In addition, the in silico prediction for this alteration is inconclusive. Based on the supporting evidence, this variant is unlikely to be causative of autosomal dominant Charcot-Marie-Tooth disease, type 2P (CMT2P) however, its contribution to the development of the autosomal recessive form of CMT2P is uncertain.

Northcott Neuroscience Laboratory, ANZAC Research Institute
Classification: Benign. Review status: no assertion criteria provided. Collection method: not provided. Allele origin: unknown. Not counted in ClinVar's aggregate classification.
Comment: CMT1
ClinVar note: Converted during submission from non-pathogenic to Benign.

NM_001005373.4(LRSAM1):c.1046A>G (p.Gln349Arg)

Gene: LRSAM1 (leucine rich repeat and sterile alpha motif containing 1; plus strand). Cytogenetic location: 9q33.3.
Variant type: single nucleotide variant.
Coding change: c.1046A>G on transcript NM_001005373.4 (MANE Select); coding-DNA position 1046, A replaced by G.
Protein change: p.Gln349Arg; replaces glutamine 349 with arginine.
Molecular consequence: missense variant. On other transcripts: non-coding transcript variant (2).
Genome position (GRCh38, 1-based): chr9:127,481,185, A>G. VCF-style: chr9-127481185-A-G. GRCh37 (hg19) VCF-style: chr9-130243464-A-G.
Other names: c.1046A>G (NM_138361.4); c.1046A>G, p.Gln349Arg (NM_001005374.4, NM_001190723.3, NM_001384142.1 and 2 more transcripts); c.257A>G, p.Gln86Arg (NM_001384144.1); short protein forms Q349R, Q86R.
Identifiers: ClinVar variation 155754 (VCV000155754.22), dbSNP rs200595164, ClinGen allele CA233124.